The following is an entry in ClinVar:

NM_001486.4(GCKR):c.1618C>T (p.Arg540Ter)

Gene: GCKR (glucokinase regulator; plus strand). Cytogenetic location: 2p23.3.
Variant type: single nucleotide variant.
Coding change: c.1618C>T on transcript NM_001486.4 (MANE Select); coding-DNA position 1618, C replaced by T.
Protein change: p.Arg540Ter; replaces arginine 540 with a stop codon.
Molecular consequence: nonsense.
Genome position (GRCh38, 1-based): chr2:27,522,505, C>T. VCF-style: chr2-27522505-C-T. GRCh37 (hg19) VCF-style: chr2-27745372-C-T.
Other names: short protein forms R540*.
Identifiers: ClinVar variation 1189882 (VCV001189882.15), dbSNP rs146053779, ClinGen allele CA1582061.
Genomic context (GRCh38, chr2:27,522,505, plus strand): 5'-CCACTTCTTCCTTAGCGGTTCTCTGGACAGTCCAAGGCTCGATGCATCGAGAGCCTCCTC[C>T]GAGCGATCCACTTTCCCCAGCCACTGTCAGATGATATTCGGGCTGCTCCCATCTCCTGCC-3'

ClinVar aggregate classification (germline): Uncertain significance. Review status: criteria provided, multiple submitters, no conflicts (2 of 4 stars). 6 submissions from 6 submitters: Uncertain significance (6). Last evaluated 2025-12-22.

Conditions:
FASTING PLASMA GLUCOSE LEVEL QUANTITATIVE TRAIT LOCUS 5 (FGQTL5). Identifiers: MedGen C3150714, OMIM 613463.

Allele frequency attached by ClinVar (database versions not stated): ESP Exome Variant Server 0.00069; ExAC 0.00088; gnomAD exomes 0.00096 and 0.00132; gnomAD 0.00117 and 0.00122; TOPMed 0.00124; 1000 Genomes Project 0.00140; 1000 Genomes Project 30x 0.00141.
gnomAD v4.1: 2,095 of 1,613,590 alleles (0.13%); highest among the groups gnomAD compares: Admixed American, 0.28%; 2 homozygotes.

Submissions (6):

Labcorp Genetics (formerly Invitae), Labcorp
Classification: Uncertain significance. Last evaluated: 2025-12-22. Review status: criteria provided, single submitter. Criteria: Invitae Variant Classification Sherloc (09022015). Collection method: clinical testing. Allele origin: germline.
Comment: This sequence change creates a premature translational stop signal (p.Arg540*) in the GCKR gene. It is expected to result in an absent or disrupted protein product. However, the current clinical and genetic evidence is not sufficient to establish whether loss-of-function variants in GCKR cause disease. This variant is present in population databases (rs146053779, gnomAD 0.2%), and has an allele count higher than expected for a pathogenic variant. This premature translational stop signal has been observed in individual(s) with hypertriglyceridemia (PMID: 20657596, 36325899). ClinVar contains an entry for this variant (Variation ID: 1189882). Experimental studies and prediction algorithms are not available or were not evaluated, and the functional significance of this variant is currently unknown. Algorithms developed to predict the effect of sequence changes on RNA splicing suggest that this variant may disrupt the consensus splice site. In summary, the available evidence is currently insufficient to determine the role of this variant in disease. Therefore, it has been classified as a Variant of Uncertain Significance.

GeneDx
Classification: Uncertain significance. Last evaluated: 2022-08-23. Review status: criteria provided, single submitter. Criteria: GeneDx Variant Classification Process June 2021. Collection method: clinical testing. Allele origin: germline. Affected: yes.
Comment: Identified in one affected individual from a genome-wide association study of hypertriglyceridemia, in one participant of the ClinSeq project who harbored another GCKR variant in cis with R540X, and in an unrelated individual with familial chylomicronemia syndrome (Johansen et al., 2010; Rees et al., 2012; D'Erasmo et al., 2019); Published cell-based expression assays showed undetectable protein expression (Rees et al., 2014); Nonsense variant predicted to result in protein truncation or nonsense mediated decay in a gene or region of a gene for which loss of function is not a well-established mechanism of disease; This variant is associated with the following publications: (PMID: 24879641, 31619059, 25525159, 20657596, 32041611, 34426522)

Fulgent Genetics
Classification: Uncertain significance for FASTING PLASMA GLUCOSE LEVEL QUANTITATIVE TRAIT LOCUS 5. Last evaluated: 2021-10-04. Review status: criteria provided, single submitter. Criteria: ACMG Guidelines, 2015. Collection method: clinical testing. Allele origin: unknown.

AiLife Diagnostics
Classification: Uncertain significance. Last evaluated: 2021-05-29. Review status: criteria provided, single submitter. Criteria: ACMG Guidelines, 2015. Collection method: clinical testing. Allele origin: germline. Affected: yes. Observed: 1 variant allele.

Revvity Omics, Revvity
Classification: Uncertain significance for FASTING PLASMA GLUCOSE LEVEL QUANTITATIVE TRAIT LOCUS 5. Last evaluated: 2019-11-08. Review status: criteria provided, single submitter. Criteria: ACMG Guidelines, 2015. Collection method: clinical testing. Allele origin: germline.

Breakthrough Genomics
Classification: Uncertain significance. Review status: criteria provided, single submitter. Criteria: ACMG Guidelines, 2015. Collection method: not provided. Allele origin: germline. Inheritance: Unknown mechanism. Affected: yes.

Literature cited by the submitters: PubMed 20657596 (cited by Labcorp Genetics (formerly Invitae), Labcorp and AiLife Diagnostics); PubMed 36325899 (cited by Labcorp Genetics (formerly Invitae), Labcorp); PubMed 31619059 (cited by AiLife Diagnostics); PubMed 32041611 (cited by AiLife Diagnostics).